The following is an entry in ClinVar:

ClinVar aggregate classification (germline): Pathogenic (1 of 4 stars; one submission).

Conditions:
T-cell immunodeficiency, congenital alopecia, and nail dystrophy. Also called: Congenital alopecia and nail dystrophy associated with severe functional T-cell immunodeficiency; Pignata Guarino syndrome. Identifiers: Orphanet 169095, MedGen C1866426, MONDO:0011132, OMIM 601705.

Submission:

Labcorp Genetics (formerly Invitae), Labcorp
Classification: Pathogenic for T-cell immunodeficiency, congenital alopecia, and nail dystrophy. Last evaluated: 2025-05-01. Review status: criteria provided, single submitter. Criteria: Invitae Variant Classification Sherloc (09022015). Collection method: clinical testing. Allele origin: germline.
Comment: This sequence change creates a premature translational stop signal (p.Gly435Alafs*115) in the FOXN1 gene. While this is not anticipated to result in nonsense mediated decay, it is expected to disrupt the last 214 amino acid(s) of the FOXN1 protein. This variant is not present in population databases (gnomAD no frequency). This variant has not been reported in the literature in individuals affected with FOXN1-related conditions. This variant disrupts a region of the FOXN1 protein in which other variant(s) (p.Gln489Argfs*61) have been determined to be pathogenic (PMID: 31566583; internal data). This suggests that this is a clinically significant region of the protein, and that variants that disrupt it are likely to be disease-causing. For these reasons, this variant has been classified as Pathogenic.

Literature cited by the submitters: PubMed 31566583.

NM_001369369.1(FOXN1):c.1302del (p.Gly435fs)

Gene: FOXN1 (forkhead box N1; plus strand). Cytogenetic location: 17q11.2.
Variant type: Deletion.
Coding change: c.1302del on transcript NM_001369369.1 (MANE Select); coding-DNA position 1302, one base deleted (T; older notation c.1302delT).
Protein change: p.Gly435fs; shifts the reading frame from glycine 435.
Molecular consequence: frameshift variant.
Genome position (GRCh38, 1-based): chr17:28,534,873, T deleted. VCF-style (leftmost placement, unchanged base first): chr17-28534872-CT-C. GRCh37 (hg19) VCF-style: chr17-26861890-CT-C.
Other names: c.1302del, p.Gly435fs (NM_003593.3); short protein forms G435fs.
Identifiers: ClinVar variation 4715951 (VCV004715951.1).
Genomic context (GRCh38, chr17:28,534,872, plus strand): 5'-CACCCCCAGCTGGCCTCTCCCCACCACTGCACTCACTCCACCCAGCTCCAGGCCCCATTC[CT>C]GGCAAGAACCCCCTGCAGGACCTACTTATGGGGCACACACCCTCCTGCTATGGGCAGACA-3'